The following is an entry in ClinVar:

ClinVar aggregate classification (germline): Uncertain significance. Review status: criteria provided, multiple submitters, no conflicts (2 of 4 stars). 2 submissions from 2 submitters: Uncertain significance (2). Last evaluated 2026-03-10.

Conditions:
Werner syndrome (WRN). Identifiers: Orphanet 902, MedGen C0043119, MONDO:0010196, OMIM 277700.

Allele frequency attached by ClinVar (database versions not stated): gnomAD exomes 0.00001; ExAC 0.00002.
gnomAD v4.1: 17 of 1,611,918 alleles (0.0011%); highest among the groups gnomAD compares: Non-Finnish European, 0.0014%; no homozygotes.

Submissions (2):

Women's Health and Genetics/Laboratory Corporation of America, LabCorp
Classification: Uncertain significance. Last evaluated: 2026-03-10. Review status: criteria provided, single submitter. Criteria: LabCorp Variant Classification Summary - May 2015. Collection method: clinical testing. Allele origin: germline.
Comment: Variant summary: WRN c.2825G>C (p.Arg942Thr) results in a non-conservative amino acid change in the encoded protein sequence near a canonical splice site. Algorithms developed to predict the effect of missense changes on protein structure and function are either unavailable or do not agree on the potential impact of this missense change. Several computational tools predict a significant impact on normal splicing: Four predict the variant abolishes a 5' splicing donor site. At least one study has shown that this missense change results in skipping of exon 23, but is expected to preserve the integrity of the reading-frame (Internal data). The variant allele was found at a frequency of 8e-06 in 250850 control chromosomes. The available data on variant occurrences in the general population are insufficient to allow any conclusion about variant significance. To our knowledge, no occurrence of c.2825G>C in individuals affected with WRN-related conditions and no experimental evidence demonstrating its impact on protein function have been reported. ClinVar contains an entry for this variant (Variation ID: 458431). Based on the evidence outlined above, the variant was classified as uncertain significance.

Labcorp Genetics (formerly Invitae), Labcorp
Classification: Uncertain significance for Werner syndrome. Last evaluated: 2023-08-28. Review status: criteria provided, single submitter. Criteria: Invitae Variant Classification Sherloc (09022015). Collection method: clinical testing. Allele origin: germline.
Comment: This sequence change replaces arginine, which is basic and polar, with threonine, which is neutral and polar, at codon 942 of the WRN protein (p.Arg942Thr). RNA analysis indicates that this missense change induces altered splicing and likely results in a shortened protein product. This variant is present in population databases (rs772600753, gnomAD 0.002%). In summary, the available evidence is currently insufficient to determine the role of this variant in disease. Therefore, it has been classified as a Variant of Uncertain Significance. Variants that disrupt the consensus splice site are a relatively common cause of aberrant splicing (PMID: 17576681, 9536098). Studies have shown that this missense change results in skipping of exon 23, but is expected to preserve the integrity of the reading-frame (Invitae). An algorithm developed to predict the effect of missense changes on protein structure and function (PolyPhen-2) suggests that this variant is likely to be disruptive. ClinVar contains an entry for this variant (Variation ID: 458431). This variant has not been reported in the literature in individuals affected with WRN-related conditions.

Literature cited by the submitters: PubMed 17576681 (cited by Labcorp Genetics (formerly Invitae), Labcorp); PubMed 9536098 (cited by Labcorp Genetics (formerly Invitae), Labcorp).

NM_000553.6(WRN):c.2825G>C (p.Arg942Thr)

Gene: WRN (WRN RecQ like helicase; plus strand). Cytogenetic location: 8p12.
Variant type: single nucleotide variant.
Coding change: c.2825G>C on transcript NM_000553.6 (MANE Select); coding-DNA position 2825, G replaced by C.
Protein change: p.Arg942Thr; replaces arginine 942 with threonine.
Molecular consequence: missense variant.
Genome position (GRCh38, 1-based): chr8:31,125,000, G>C. VCF-style: chr8-31125000-G-C. GRCh37 (hg19) VCF-style: chr8-30982516-G-C.
Other names: short protein forms R942T.
Identifiers: ClinVar variation 458431 (VCV000458431.7), dbSNP rs772600753, ClinGen allele CA4704855.